The following is an entry in ClinVar:

ClinVar aggregate classification (germline): Uncertain significance (1 of 4 stars; one submission).

Submission:

CeGaT Center for Human Genetics Tuebingen
Classification: Uncertain significance. Last evaluated: 2023-01-01. Review status: criteria provided, single submitter. Criteria: CeGaT Center For Human Genetics Tuebingen Variant Classification Criteria Version 2. Collection method: clinical testing. Allele origin: germline. Affected: yes. Observed: 1 variant allele.
Comment: ELP2: PM2

NM_018255.4(ELP2):c.523+681A>T

Gene: ELP2 (elongator acetyltransferase complex subunit 2; plus strand). Cytogenetic location: 18q12.2.
Variant type: single nucleotide variant.
Coding change: c.523+681A>T on transcript NM_018255.4 (MANE Select); 681 bases into the intron after coding-DNA position 523, A replaced by T.
Molecular consequence: intron variant. On other transcripts: nonsense (3).
Genome position (GRCh38, 1-based): chr18:36,139,553, A>T. VCF-style: chr18-36139553-A-T. GRCh37 (hg19) VCF-style: chr18-33719516-A-T.
Other names: c.658A>T, p.Lys220Ter (NM_001242875.3); c.580A>T, p.Lys194Ter (NM_001242876.3, NM_001324466.2); c.523+681A>T (NM_001324467.2, NM_001324465.2); c.445+1127A>T (NM_001242877.3, NM_001242878.3, NM_001242879.3); c.76+681A>T (NM_001324468.2); short protein forms K194*, K220*.
Identifiers: ClinVar variation 2498738 (VCV002498738.28), dbSNP rs2511193850, ClinGen allele CA402202699.